The following is an entry in ClinVar:

ClinVar aggregate classification (germline): Uncertain significance (1 of 4 stars; one submission).

Conditions:
X-linked lymphoproliferative disease due to XIAP deficiency. Also called: XIAP DEFICIENCY; XIAP-Related Lymphoproliferative Disease, X-Linked. Identifiers: Orphanet 2442, Orphanet 538934, MedGen C1845076, MONDO:0010385, OMIM 300635.

Submission:

Labcorp Genetics (formerly Invitae), Labcorp
Classification: Uncertain significance for X-linked lymphoproliferative disease due to XIAP deficiency. Last evaluated: 2025-07-20. Review status: criteria provided, single submitter. Criteria: Invitae Variant Classification Sherloc (09022015). Collection method: clinical testing. Allele origin: germline.
Comment: This sequence change replaces proline, which is neutral and non-polar, with serine, which is neutral and polar, at codon 374 of the XIAP protein (p.Pro374Ser). This variant is not present in population databases (gnomAD no frequency). This variant has not been reported in the literature in individuals affected with XIAP-related conditions. Invitae Evidence Modeling of protein sequence and biophysical properties (such as structural, functional, and spatial information, amino acid conservation, physicochemical variation, residue mobility, and thermodynamic stability) indicates that this missense variant is not expected to disrupt XIAP protein function with a negative predictive value of 80%. In summary, the available evidence is currently insufficient to determine the role of this variant in disease. Therefore, it has been classified as a Variant of Uncertain Significance.

NM_001167.4(XIAP):c.1120C>T (p.Pro374Ser)

Gene: XIAP (X-linked inhibitor of apoptosis; plus strand). Cytogenetic location: Xq25.
Variant type: single nucleotide variant.
Coding change: c.1120C>T on transcript NM_001167.4 (MANE Select); coding-DNA position 1120, C replaced by T.
Protein change: p.Pro374Ser; replaces proline 374 with serine.
Molecular consequence: missense variant. On other transcripts: non-coding transcript variant (2).
Genome position (GRCh38, 1-based): chrX:123,900,513, C>T. VCF-style: chrX-123900513-C-T. GRCh37 (hg19) VCF-style: chrX-123034363-C-T.
Other names: c.1120C>T, p.Pro374Ser (NM_001204401.2, NM_001378590.1, NM_001378591.1 and 1 more transcripts); short protein forms P374S.
Identifiers: ClinVar variation 4760770 (VCV004760770.1).